The following is an entry in ClinVar:

NM_001160148.2(DDHD1):c.453G>A (p.Pro151=)

Gene: DDHD1 (DDHD domain containing 1; minus strand). Cytogenetic location: 14q22.1.
Variant type: single nucleotide variant.
Coding change: c.453G>A on transcript NM_001160148.2 (MANE Select); coding-DNA position 453, G replaced by A.
Protein change: p.Pro151=; no amino-acid change (proline 151 retained).
Molecular consequence: synonymous variant.
Genome position (GRCh38, 1-based): chr14:53,152,646, C>T on the plus strand (G>A on the coding strand, the complement: DDHD1 is on the minus strand). VCF-style: chr14-53152646-C-T. GRCh37 (hg19) VCF-style: chr14-53619364-C-T.
Other names: p.Pro151=; c.453G>A, p.Pro151= (NM_001160147.2, NM_030637.3).
Identifiers: ClinVar variation 380446 (VCV000380446.16), dbSNP rs141323589, ClinGen allele CA7191491.

ClinVar aggregate classification (germline): Benign. Review status: criteria provided, multiple submitters, no conflicts (2 of 4 stars). 5 submissions from 5 submitters: Benign (5). Last evaluated 2026-02-02.

Conditions:
Hereditary spastic paraplegia 28. Also called: Spastic paraplegia 28, autosomal recessive. Identifiers: Orphanet 101008, MedGen C1836295, MONDO:0012256, OMIM 609340.
Hereditary spastic paraplegia. Also called: Familial spastic paraparesis. Identifiers: Orphanet 685, MedGen C0037773, MONDO:0019064. Disease mechanism: loss of function.

Allele frequency attached by ClinVar (database versions not stated): ESP Exome Variant Server 0.00031; gnomAD exomes 0.00319 and 0.01437; gnomAD 0.00610 and 0.00649; ExAC 0.01083; TOPMed 0.01217; 1000 Genomes Project 0.01797; 1000 Genomes Project 30x 0.02030.

Submissions (5):

Labcorp Genetics (formerly Invitae), Labcorp
Classification: Benign for Hereditary spastic paraplegia 28. Last evaluated: 2026-02-02. Review status: criteria provided, single submitter. Criteria: Invitae Variant Classification Sherloc (09022015). Collection method: clinical testing. Allele origin: germline.

Genome Diagnostics Laboratory, The Hospital for Sick Children
Classification: Benign for Hereditary spastic paraplegia. Last evaluated: 2021-08-19. Review status: criteria provided, single submitter. Criteria: ACMG Guidelines, 2015. Collection method: clinical testing. Allele origin: germline. Affected: yes.

Mayo Clinic Laboratories, Mayo Clinic
Classification: Benign. Last evaluated: 2019-07-29. Review status: criteria provided, single submitter. Criteria: ACMG Guidelines, 2015. Collection method: clinical testing. Allele origin: germline. Observed: 17 variant alleles.

GeneDx
Classification: Benign. Last evaluated: 2016-02-16. Review status: criteria provided, single submitter. Criteria: GeneDx Variant Classification (06012015). Collection method: clinical testing. Allele origin: germline. Affected: yes.
Comment: This variant is considered likely benign or benign based on one or more of the following criteria: it is a conservative change, it occurs at a poorly conserved position in the protein, it is predicted to be benign by multiple in silico algorithms, and/or has population frequency not consistent with disease.

Breakthrough Genomics
Classification: Benign. Review status: criteria provided, single submitter. Criteria: ACMG Guidelines, 2015. Collection method: not provided. Allele origin: germline. Inheritance: Autosomal recessive inheritance. Affected: yes.